The following is an entry in ClinVar:

ClinVar aggregate classification (germline): Uncertain significance (1 of 4 stars; one submission).

Submission:

Labcorp Genetics (formerly Invitae), Labcorp
Classification: Uncertain significance. Last evaluated: 2024-08-26. Review status: criteria provided, single submitter. Criteria: Invitae Variant Classification Sherloc (09022015). Collection method: clinical testing. Allele origin: germline.
Comment: This sequence change replaces aspartic acid, which is acidic and polar, with tyrosine, which is neutral and polar, at codon 830 of the SIN3A protein (p.Asp830Tyr). This variant is not present in population databases (gnomAD no frequency). This variant has not been reported in the literature in individuals affected with SIN3A-related conditions. Invitae Evidence Modeling of protein sequence and biophysical properties (such as structural, functional, and spatial information, amino acid conservation, physicochemical variation, residue mobility, and thermodynamic stability) indicates that this missense variant is not expected to disrupt SIN3A protein function with a negative predictive value of 80%. In summary, the available evidence is currently insufficient to determine the role of this variant in disease. Therefore, it has been classified as a Variant of Uncertain Significance.

NM_001145358.2(SIN3A):c.2488G>T (p.Asp830Tyr)

Gene: SIN3A (SIN3 transcription regulator family member A; minus strand). Cytogenetic location: 15q24.2.
Variant type: single nucleotide variant.
Coding change: c.2488G>T on transcript NM_001145358.2 (MANE Select); coding-DNA position 2488, G replaced by T.
Protein change: p.Asp830Tyr; replaces aspartic acid 830 with tyrosine.
Molecular consequence: missense variant.
Genome position (GRCh38, 1-based): chr15:75,392,605, C>A on the plus strand (G>T on the coding strand, the complement: SIN3A is on the minus strand). VCF-style: chr15-75392605-C-A. GRCh37 (hg19) VCF-style: chr15-75684946-C-A.
Other names: c.2488G>T, p.Asp830Tyr (NM_001145357.2, NM_015477.3); short protein forms D830Y.
Identifiers: ClinVar variation 3646296 (VCV003646296.2).